The following is an entry in ClinVar:

NM_014908.4(DOLK):c.1130G>A (p.Arg377His)

Gene: DOLK (dolichol kinase; minus strand). Cytogenetic location: 9q34.11.
Variant type: single nucleotide variant.
Coding change: c.1130G>A on transcript NM_014908.4 (MANE Select); coding-DNA position 1130, G replaced by A.
Protein change: p.Arg377His; replaces arginine 377 with histidine.
Molecular consequence: missense variant.
Genome position (GRCh38, 1-based): chr9:128,946,174, C>T on the plus strand (G>A on the coding strand, the complement: DOLK is on the minus strand). VCF-style: chr9-128946174-C-T. GRCh37 (hg19) VCF-style: chr9-131708453-C-T.
Other names: short protein forms R377H.
Identifiers: ClinVar variation 365194 (VCV000365194.9), dbSNP rs374317240, ClinGen allele CA5271625.

ClinVar aggregate classification (germline): Uncertain significance. Review status: criteria provided, multiple submitters, no conflicts (2 of 4 stars). 4 submissions from 4 submitters: Uncertain significance (4). Last evaluated 2025-04-09.

Conditions:
Cardiovascular phenotype. Identifiers: MedGen CN230736.
DK1-congenital disorder of glycosylation. Also called: CONGENITAL DISORDER OF GLYCOSYLATION, TYPE Im; CDG Im; DK1 DEFICIENCY; DOLICHOL KINASE DEFICIENCY; DK1-CDG; DOLK-congenital disorder of glycosylation. Identifiers: Orphanet 91131, MedGen C1835849, MONDO:0012556, OMIM 610768.

Allele frequency attached by ClinVar (database versions not stated): gnomAD exomes 0.00001; TOPMed 0.00002; gnomAD 0.00003; ESP Exome Variant Server 0.00008.
gnomAD v4.1: 13 of 1,614,034 alleles (0.00081%); highest among the groups gnomAD compares: African/African-American, 0.004%; no homozygotes.

Submissions (4):

Molecular Diagnostic Laboratory for Inherited Cardiovascular Disease, Montreal Heart Institute
Classification: Uncertain significance for Cardiovascular phenotype. Last evaluated: 2025-04-09. Review status: criteria provided, single submitter. Criteria: ACMG Guidelines, 2015. Collection method: clinical testing. Allele origin: germline. Affected: yes.

Labcorp Genetics (formerly Invitae), Labcorp
Classification: Uncertain significance for DK1-congenital disorder of glycosylation. Last evaluated: 2022-06-22. Review status: criteria provided, single submitter. Criteria: Invitae Variant Classification Sherloc (09022015). Collection method: clinical testing. Allele origin: germline.
Comment: In summary, the available evidence is currently insufficient to determine the role of this variant in disease. Therefore, it has been classified as a Variant of Uncertain Significance. Algorithms developed to predict the effect of missense changes on protein structure and function (SIFT, PolyPhen-2, Align-GVGD) all suggest that this variant is likely to be disruptive. ClinVar contains an entry for this variant (Variation ID: 365194). This variant has not been reported in the literature in individuals affected with DOLK-related conditions. This variant is present in population databases (rs374317240, gnomAD 0.007%). This sequence change replaces arginine, which is basic and polar, with histidine, which is basic and polar, at codon 377 of the DOLK protein (p.Arg377His).

Fulgent Genetics
Classification: Uncertain significance for DK1-congenital disorder of glycosylation. Last evaluated: 2021-08-11. Review status: criteria provided, single submitter. Criteria: ACMG Guidelines, 2015. Collection method: clinical testing. Allele origin: unknown.

Illumina Laboratory Services, Illumina
Classification: Uncertain significance for DK1-congenital disorder of glycosylation. Last evaluated: 2018-01-13. Review status: criteria provided, single submitter. Criteria: ICSL Variant Classification Criteria 13 December 2019. Collection method: clinical testing. Allele origin: germline.